The following is an entry in ClinVar:

NM_001036.6(RYR3):c.938C>A (p.Thr313Asn)

Gene: RYR3 (ryanodine receptor 3; plus strand). Cytogenetic location: 15q14.
Variant type: single nucleotide variant.
Coding change: c.938C>A on transcript NM_001036.6 (MANE Select); coding-DNA position 938, C replaced by A.
Protein change: p.Thr313Asn; replaces threonine 313 with asparagine.
Molecular consequence: missense variant.
Genome position (GRCh38, 1-based): chr15:33,550,282, C>A. VCF-style: chr15-33550282-C-A. GRCh37 (hg19) VCF-style: chr15-33842483-C-A.
Other names: c.938C>A, p.Thr313Asn (NM_001243996.4); short protein forms T313N.
Identifiers: ClinVar variation 461987 (VCV000461987.10), dbSNP rs1171648016, ClinGen allele CA391562626.
Genomic context (GRCh38, chr15:33,550,282, plus strand): 5'-ACTACCTGGCCTTGACAGAAGACCAAGGCCTTATACTGCAAGACCGGGCAAAGTCAGACA[C>A]CAAGTCCACAGCTTTCTCTTTCCGGGCATCAAAGGTAAGGTGTGATAAAGTGGACTTTGA-3'
Protein context (NP_001027.3, residues 303-323): LILQDRAKSD[Thr313Asn]KSTAFSFRAS

ClinVar aggregate classification (germline): Uncertain significance (1 of 4 stars; one submission).

Conditions:
Epileptic encephalopathy. Identifiers: MedGen C0543888, HP:0200134.

gnomAD v4.1: 5 of 1,613,438 alleles (0.00031%); highest among the groups gnomAD compares: Non-Finnish European, 0.00025%; no homozygotes.

Submission:

Labcorp Genetics (formerly Invitae), Labcorp
Classification: Uncertain significance for Epileptic encephalopathy. Last evaluated: 2025-09-02. Review status: criteria provided, single submitter. Criteria: Invitae Variant Classification Sherloc (09022015). Collection method: clinical testing. Allele origin: germline.
Comment: This sequence change replaces threonine, which is neutral and polar, with asparagine, which is neutral and polar, at codon 313 of the RYR3 protein (p.Thr313Asn). This variant is not present in population databases (gnomAD no frequency). This variant has not been reported in the literature in individuals affected with RYR3-related conditions. ClinVar contains an entry for this variant (Variation ID: 461987). An algorithm developed to predict the effect of missense changes on protein structure and function (PolyPhen-2) suggests that this variant is likely to be disruptive. In summary, the available evidence is currently insufficient to determine the role of this variant in disease. Therefore, it has been classified as a Variant of Uncertain Significance.